The following is an entry in ClinVar:

ClinVar aggregate classification (germline): Uncertain significance. Review status: criteria provided, multiple submitters, no conflicts (2 of 4 stars). 2 submissions from 2 submitters: Uncertain significance (2). Last evaluated 2025-01-13.

Conditions:
Progressive sclerosing poliodystrophy (MTDPS4A). Also called: ALPERS PROGRESSIVE INFANTILE POLIODYSTROPHY; Alpers-Huttenlocher Syndrome (AHS); NEURONAL DEGENERATION OF CHILDHOOD WITH LIVER DISEASE, PROGRESSIVE; Mitochondrial DNA depletion syndrome 4A (Alpers type); Mitochondrial DNA Depletion Syndrome 4A; Alpers Syndrome. Identifiers: Orphanet 726, MedGen C0205710, MONDO:0008758, OMIM 203700.

Submissions (2):

Labcorp Genetics (formerly Invitae), Labcorp
Classification: Uncertain significance for Progressive sclerosing poliodystrophy. Last evaluated: 2025-01-13. Review status: criteria provided, single submitter. Criteria: Invitae Variant Classification Sherloc (09022015). Collection method: clinical testing. Allele origin: germline.
Comment: This sequence change replaces serine, which is neutral and polar, with cysteine, which is neutral and slightly polar, at codon 63 of the POLG protein (p.Ser63Cys). This variant is not present in population databases (gnomAD no frequency). This variant has not been reported in the literature in individuals affected with POLG-related conditions. ClinVar contains an entry for this variant (Variation ID: 1690591). Invitae Evidence Modeling of protein sequence and biophysical properties (such as structural, functional, and spatial information, amino acid conservation, physicochemical variation, residue mobility, and thermodynamic stability) has been performed for this missense variant. However, the output from this modeling did not meet the statistical confidence thresholds required to predict the impact of this variant on POLG protein function. In summary, the available evidence is currently insufficient to determine the role of this variant in disease. Therefore, it has been classified as a Variant of Uncertain Significance.

Laboratorio de Genetica e Diagnostico Molecular, Hospital Israelita Albert Einstein
Classification: Uncertain significance. Last evaluated: 2022-02-24. Review status: criteria provided, single submitter. Criteria: ACMG Guidelines, 2015. Collection method: clinical testing. Allele origin: germline. Affected: yes.
Comment: ACMG classification criteria: PM2, BP4

NM_002693.3(POLG):c.188C>G (p.Ser63Cys)

Genes: POLG (DNA polymerase gamma, catalytic subunit; minus strand), POLGARF (POLG alternative reading frame; minus strand). Cytogenetic location: 15q26.1.
Variant type: single nucleotide variant.
Coding change: c.188C>G on transcript NM_002693.3 (MANE Select); coding-DNA position 188, C replaced by G.
Protein change: p.Ser63Cys; replaces serine 63 with cysteine.
Molecular consequence: missense variant.
Genome position (GRCh38, 1-based): chr15:89,333,567, G>C on the plus strand (C>G on the coding strand, the complement: POLG is on the minus strand). VCF-style: chr15-89333567-G-C. GRCh37 (hg19) VCF-style: chr15-89876798-G-C.
Other names: c.188C>G, p.Ser63Cys (NM_001126131.2); short protein forms S63C.
Identifiers: ClinVar variation 1690591 (VCV001690591.4), dbSNP rs960812250, ClinGen allele CA393773780.